The following is an entry in ClinVar:

NM_198428.3(BBS9):c.1112T>C (p.Val371Ala)

Gene: BBS9 (Bardet-Biedl syndrome 9; plus strand). Cytogenetic location: 7p14.3.
Variant type: single nucleotide variant.
Coding change: c.1112T>C on transcript NM_198428.3 (MANE Select); coding-DNA position 1112, T replaced by C.
Protein change: p.Val371Ala; replaces valine 371 with alanine.
Molecular consequence: missense variant. On other transcripts: non-coding transcript variant (3).
Genome position (GRCh38, 1-based): chr7:33,336,536, T>C. VCF-style: chr7-33336536-T-C. GRCh37 (hg19) VCF-style: chr7-33376148-T-C.
Other names: c.1112T>C, p.Val371Ala (NM_001033604.2, NM_001033605.2, NM_001348036.1 and 5 more transcripts); c.746T>C, p.Val249Ala (NM_001348037.3, NM_001348044.3, NM_001348045.3 and 1 more transcripts); c.839T>C, p.Val280Ala (NM_001348038.3, NM_001348039.3); c.977T>C, p.Val326Ala (NM_001348042.3); short protein forms V326A, V371A, V249A, V280A.
Identifiers: ClinVar variation 835777 (VCV000835777.12), dbSNP rs138436479, ClinGen allele CA4214190.

ClinVar aggregate classification (germline): Uncertain significance. Review status: criteria provided, multiple submitters, no conflicts (2 of 4 stars). 6 submissions from 6 submitters: Uncertain significance (4). 2 of the submissions do not count toward it. Last evaluated 2025-01-15.

Conditions:
BBS9-related ciliopathy. Identifiers: MedGen CN375911, MONDO:0700236.
Bardet-Biedl syndrome (BBS). Identifiers: Orphanet 110, MedGen C0752166, MONDO:0015229.
Bardet-Biedl syndrome 9 (BBS9). Identifiers: Orphanet 110, MedGen C1859567, MONDO:0014437, OMIM 615986.
BBS9-related disorder. Also called: BBS9-related condition.
Retinal dystrophy. Also called: Inherited retinal dystrophy. Identifiers: Orphanet 71862, MedGen C0854723, MeSH D058499, MONDO:0019118, HP:0000556.

Allele frequency attached by ClinVar (database versions not stated): gnomAD 0.00011 and 0.00012; gnomAD exomes 0.00013 and 0.00016; ESP Exome Variant Server 0.00015; TOPMed 0.00015; ExAC 0.00018.
gnomAD v4.1: 223 of 1,613,440 alleles (0.014%); highest among the groups gnomAD compares: Middle Eastern, 0.033%; no homozygotes.

Submissions (6):

Labcorp Genetics (formerly Invitae), Labcorp
Classification: Uncertain significance for Bardet-Biedl syndrome. Last evaluated: 2025-01-15. Review status: criteria provided, single submitter. Criteria: Invitae Variant Classification Sherloc (09022015). Collection method: clinical testing. Allele origin: germline.
Comment: This sequence change replaces valine, which is neutral and non-polar, with alanine, which is neutral and non-polar, at codon 371 of the BBS9 protein (p.Val371Ala). This variant is present in population databases (rs138436479, gnomAD 0.03%). This variant has not been reported in the literature in individuals affected with BBS9-related conditions. ClinVar contains an entry for this variant (Variation ID: 835777). Invitae Evidence Modeling of protein sequence and biophysical properties (such as structural, functional, and spatial information, amino acid conservation, physicochemical variation, residue mobility, and thermodynamic stability) indicates that this missense variant is not expected to disrupt BBS9 protein function with a negative predictive value of 80%. In summary, the available evidence is currently insufficient to determine the role of this variant in disease. Therefore, it has been classified as a Variant of Uncertain Significance.

Blueprint Genetics
Classification: Uncertain significance. Last evaluated: 2024-08-28. Review status: criteria provided, single submitter. Criteria: ACMG Guidelines, 2015. Collection method: clinical testing. Allele origin: germline.

Fulgent Genetics
Classification: Uncertain significance for Bardet-Biedl syndrome 9. Last evaluated: 2024-05-10. Review status: criteria provided, single submitter. Criteria: ACMG Guidelines, 2015. Collection method: clinical testing. Allele origin: germline.

Department of Pathology and Laboratory Medicine, Sinai Health System
Classification: Uncertain significance for BBS9-related ciliopathy. Last evaluated: 2023-01-25. Review status: criteria provided, single submitter. Criteria: ACMG Guidelines, 2015. Collection method: research. Allele origin: germline.

PreventionGenetics, part of Exact Sciences
Classification: Uncertain significance for BBS9-related condition. Last evaluated: 2024-02-20. Review status: no assertion criteria provided. Collection method: clinical testing. Allele origin: germline. Not counted in ClinVar's aggregate classification.
Comment: The BBS9 c.1112T>C variant is predicted to result in the amino acid substitution p.Val371Ala. To our knowledge, this variant has not been reported in the literature. This variant is reported in 0.034% of alleles in individuals of Latino descent in gnomAD. At this time, the clinical significance of this variant is uncertain due to the absence of conclusive functional and genetic evidence.

Institute of Human Genetics, Univ. Regensburg, Univ. Regensburg
Classification: Uncertain significance for Retinal dystrophy. Last evaluated: 2023-01-01. Review status: no assertion criteria provided. Criteria: ACMG Guidelines, 2015. Collection method: clinical testing. Allele origin: germline. Affected: yes. Not counted in ClinVar's aggregate classification.